The following is an entry in ClinVar:

ClinVar aggregate classification (germline): Uncertain significance. Review status: criteria provided, multiple submitters, no conflicts (2 of 4 stars). 2 submissions from 2 submitters: Uncertain significance (2). Last evaluated 2024-05-19.

Conditions:
Hypertrophic cardiomyopathy. Also called: HYPERTROPHIC MYOCARDIOPATHY. Identifiers: Orphanet 217569, MedGen C0007194, MeSH D002312, MONDO:0005045, HP:0001639.

Submissions (2):

Labcorp Genetics (formerly Invitae), Labcorp
Classification: Uncertain significance for Hypertrophic cardiomyopathy. Last evaluated: 2024-05-19. Review status: criteria provided, single submitter. Criteria: Invitae Variant Classification Sherloc (09022015). Collection method: clinical testing. Allele origin: germline.
Comment: This sequence change replaces serine, which is neutral and polar, with proline, which is neutral and non-polar, at codon 1894 of the MYH7 protein (p.Ser1894Pro). This variant is not present in population databases (gnomAD no frequency). This variant has not been reported in the literature in individuals affected with MYH7-related conditions. ClinVar contains an entry for this variant (Variation ID: 1025662). Advanced modeling of protein sequence and biophysical properties (such as structural, functional, and spatial information, amino acid conservation, physicochemical variation, residue mobility, and thermodynamic stability) performed at Invitae indicates that this missense variant is expected to disrupt MYH7 protein function with a positive predictive value of 95%. In summary, the available evidence is currently insufficient to determine the role of this variant in disease. Therefore, it has been classified as a Variant of Uncertain Significance.

Blueprint Genetics
Classification: Uncertain significance. Last evaluated: 2022-01-10. Review status: criteria provided, single submitter. Criteria: ACMG Guidelines, 2015. Collection method: clinical testing. Allele origin: germline.

NM_000257.4(MYH7):c.5680T>C (p.Ser1894Pro)

Gene: MYH7 (myosin heavy chain 7; minus strand). Cytogenetic location: 14q11.2.
Variant type: single nucleotide variant.
Coding change: c.5680T>C on transcript NM_000257.4 (MANE Select); coding-DNA position 5680, T replaced by C.
Protein change: p.Ser1894Pro; replaces serine 1894 with proline.
Molecular consequence: missense variant.
Genome position (GRCh38, 1-based): chr14:23,413,869, A>G on the plus strand (T>C on the coding strand, the complement: MYH7 is on the minus strand). VCF-style: chr14-23413869-A-G. GRCh37 (hg19) VCF-style: chr14-23883078-A-G.
Other names: short protein forms S1894P.
Identifiers: ClinVar variation 1025662 (VCV001025662.9), dbSNP rs1892072183, ClinGen allele CA389034703.